The following is an entry in ClinVar:

ClinVar aggregate classification (germline): Uncertain significance (1 of 4 stars; one submission).

Conditions:
Neurofibromatosis, type 1 (NF1). Also called: VON RECKLINGHAUSEN DISEASE; NEUROFIBROMATOSIS, TYPE I, SOMATIC; Peripheral type neurofibromatosis; Neurofibromatosis, type I. Identifiers: Orphanet 636, MedGen C0027831, MONDO:0018975, OMIM 162200. Disease mechanism: loss of function.

Submission:

Labcorp Genetics (formerly Invitae), Labcorp
Classification: Uncertain significance for Neurofibromatosis, type 1. Last evaluated: 2021-07-31. Review status: criteria provided, single submitter. Criteria: Invitae Variant Classification Sherloc (09022015). Collection method: clinical testing. Allele origin: germline.
Comment: This variant disrupts a region of the NF1 protein in which other variant(s) (p.Lys505Glu) have been determined to be pathogenic (PMID: 9783703). This suggests that this is a clinically significant region of the protein, and that variants that disrupt it are likely to be disease-causing. In summary, the available evidence is currently insufficient to determine the role of this variant in disease. Therefore, it has been classified as a Variant of Uncertain Significance. This variant has been observed in individual(s) with clinical features of NF1-Noonan syndrome (Invitae). This variant is not present in population databases (ExAC no frequency). This variant, c.1510_1524del, results in the deletion of 5 amino acid(s) of the NF1 protein (p.Pro504_Leu508del), but otherwise preserves the integrity of the reading frame.

Literature cited by the submitters: PubMed 9783703.

NM_001042492.3(NF1):c.1510_1524del (p.Pro504_Leu508del)

Gene: NF1 (neurofibromin 1; plus strand). Cytogenetic location: 17q11.2.
Variant type: Deletion.
Coding change: c.1510_1524del on transcript NM_001042492.3 (MANE Select); coding-DNA positions 1510 to 1524, 15 bases deleted (CCAAAGCTCTTGCTT).
Protein change: p.Pro504_Leu508del.
Molecular consequence: inframe deletion. On other transcripts: inframe indel (1).
Genome position (GRCh38, 1-based): chr17:31,214,568-31,214,582, CCAAAGCTCTTGCTT deleted; deleting any 15 consecutive bases within chr17:31,214,567-31,214,582 gives the same sequence; the c. name uses the placement nearest the transcript's 3' end. VCF-style (leftmost placement, unchanged base first): chr17-31214566-ATCCAAAGCTCTTGCT-A. GRCh37 (hg19) VCF-style: chr17-29541584-ATCCAAAGCTCTTGCT-A.
Other names: c.1510_1524delCCAAAGCTCTTGCTT, p.Pro504_Leu508del (NM_000267.4); c.1510_1524del, p.Pro504_Leu508del (NM_001128147.3).
Identifiers: ClinVar variation 1499315 (VCV001499315.6), dbSNP rs2143960475, ClinGen allele CA2573153646.